The following is an entry in ClinVar:

NM_000179.3(MSH6):c.1351T>C (p.Phe451Leu)

Gene: MSH6 (mutS homolog 6; plus strand). Cytogenetic location: 2p16.3.
Variant type: single nucleotide variant.
Coding change: c.1351T>C on transcript NM_000179.3 (MANE Select); coding-DNA position 1351, T replaced by C.
Protein change: p.Phe451Leu; replaces phenylalanine 451 with leucine.
Molecular consequence: missense variant.
Genome position (GRCh38, 1-based): chr2:47,799,334, T>C. VCF-style: chr2-47799334-T-C. GRCh37 (hg19) VCF-style: chr2-48026473-T-C.
Other names: c.961T>C, p.Phe321Leu (NM_001281492.2); c.445T>C, p.Phe149Leu (NM_001281493.2, NM_001281494.2); short protein forms F451L, F149L, F321L.
Identifiers: ClinVar variation 571875 (VCV000571875.16), dbSNP rs1558661442, ClinGen allele CA346744665.

ClinVar aggregate classification (germline): Uncertain significance. Review status: criteria provided, multiple submitters, no conflicts (2 of 4 stars). 5 submissions from 5 submitters: Uncertain significance (5). Last evaluated 2025-04-27.

Conditions:
Endometrial carcinoma. Also called: Endometrial carcinoma, somatic. Identifiers: MedGen C0476089, MONDO:0002447, OMIM 608089, HP:0012114.
Hereditary cancer-predisposing syndrome. Also called: Hereditary neoplastic syndrome; Neoplastic Syndromes, Hereditary; Hereditary Cancer Syndrome; Tumor predisposition. Identifiers: Orphanet 140162, MedGen C0027672, MeSH D009386, MONDO:0015356.
Hereditary nonpolyposis colorectal neoplasms. Identifiers: MedGen C0009405, MeSH D003123.

gnomAD v4.1: 3 of 1,614,042 alleles (0.00019%); highest among the groups gnomAD compares: Non-Finnish European, 0.00025%; no homozygotes.

Submissions (5):

Labcorp Genetics (formerly Invitae), Labcorp
Classification: Uncertain significance for Hereditary nonpolyposis colorectal neoplasms. Last evaluated: 2025-04-27. Review status: criteria provided, single submitter. Criteria: Invitae Variant Classification Sherloc (09022015). Collection method: clinical testing. Allele origin: germline.
Comment: This sequence change replaces phenylalanine, which is neutral and non-polar, with leucine, which is neutral and non-polar, at codon 451 of the MSH6 protein (p.Phe451Leu). This variant is not present in population databases (gnomAD no frequency). This variant has not been reported in the literature in individuals affected with MSH6-related conditions. ClinVar contains an entry for this variant (Variation ID: 571875). Invitae Evidence Modeling of protein sequence and biophysical properties (such as structural, functional, and spatial information, amino acid conservation, physicochemical variation, residue mobility, and thermodynamic stability) indicates that this missense variant is not expected to disrupt MSH6 protein function with a negative predictive value of 95%. In summary, the available evidence is currently insufficient to determine the role of this variant in disease. Therefore, it has been classified as a Variant of Uncertain Significance.

Baylor Genetics
Classification: Uncertain significance for Endometrial carcinoma. Last evaluated: 2024-01-11. Review status: criteria provided, single submitter. Criteria: ACMG Guidelines, 2015. Collection method: clinical testing. Allele origin: unknown.

Color Diagnostics, LLC DBA Color Health
Classification: Uncertain significance for Hereditary cancer-predisposing syndrome. Last evaluated: 2023-12-05. Review status: criteria provided, single submitter. Criteria: ACMG Guidelines, 2015. Collection method: clinical testing. Allele origin: germline.
Comment: This missense variant replaces phenylalanine with leucine at codon 451 of the MSH6 protein. Computational prediction suggests that this variant may have deleterious impact on protein structure and function (internally defined REVEL score threshold >= 0.7, PMID: 27666373). To our knowledge, functional studies have not been reported for this variant. This variant has not been reported in individuals affected with MSH6-related disorders in the literature. This variant has not been identified in the general population by the Genome Aggregation Database (gnomAD). The available evidence is insufficient to determine the role of this variant in disease conclusively. Therefore, this variant is classified as a Variant of Uncertain Significance.

Blueprint Genetics
Classification: Uncertain significance. Last evaluated: 2022-11-28. Review status: criteria provided, single submitter. Criteria: ACMG Guidelines, 2015. Collection method: clinical testing. Allele origin: germline.

Ambry Genetics
Classification: Uncertain significance for Hereditary cancer-predisposing syndrome. Last evaluated: 2022-11-10. Review status: criteria provided, single submitter. Criteria: Ambry Variant Classification Scheme 2023. Collection method: clinical testing. Allele origin: germline.
Comment: The p.F451L variant (also known as c.1351T>C), located in coding exon 4 of the MSH6 gene, results from a T to C substitution at nucleotide position 1351. The phenylalanine at codon 451 is replaced by leucine, an amino acid with highly similar properties. This amino acid position is conserved. In addition, this alteration is predicted to be deleterious by in silico analysis. Since supporting evidence is limited at this time, the clinical significance of this alteration remains unclear.